The following is an entry in ClinVar:

NM_001378454.1(ALMS1):c.10907T>C (p.Leu3636Pro)

Gene: ALMS1 (ALMS1 centrosome and basal body associated protein; plus strand). Cytogenetic location: 2p13.1.
Variant type: single nucleotide variant.
Coding change: c.10907T>C on transcript NM_001378454.1 (MANE Select); coding-DNA position 10907, T replaced by C.
Protein change: p.Leu3636Pro; replaces leucine 3636 with proline.
Molecular consequence: missense variant.
Genome position (GRCh38, 1-based): chr2:73,572,784, T>C. VCF-style: chr2-73572784-T-C. GRCh37 (hg19) VCF-style: chr2-73799911-T-C.
Other names: c.10910T>C, p.Leu3637Pro (NM_015120.4); short protein forms L3636P, L3637P.
Identifiers: ClinVar variation 1476903 (VCV001476903.6), dbSNP rs2104105685, ClinGen allele CA347286109.

ClinVar aggregate classification (germline): Uncertain significance (1 of 4 stars; one submission).

Conditions:
Alstrom syndrome (ALMS). Identifiers: Orphanet 64, MedGen C0268425, MONDO:0008763, OMIM 203800.

Submission:

Labcorp Genetics (formerly Invitae), Labcorp
Classification: Uncertain significance for Alstrom syndrome. Last evaluated: 2021-07-21. Review status: criteria provided, single submitter. Criteria: Invitae Variant Classification Sherloc (09022015). Collection method: clinical testing. Allele origin: germline.
Comment: This variant is not present in population databases (ExAC no frequency). This variant has not been reported in the literature in individuals affected with ALMS1-related conditions. Experimental studies and prediction algorithms are not available or were not evaluated, and the functional significance of this variant is currently unknown. In summary, the available evidence is currently insufficient to determine the role of this variant in disease. Therefore, it has been classified as a Variant of Uncertain Significance. This sequence change replaces leucine with proline at codon 3637 of the ALMS1 protein (p.Leu3637Pro). The leucine residue is highly conserved and there is a moderate physicochemical difference between leucine and proline.